The following is an entry in ClinVar:

NM_001127222.2(CACNA1A):c.368A>G (p.Asp123Gly)

Gene: CACNA1A (calcium voltage-gated channel subunit alpha1 A; minus strand). Cytogenetic location: 19p13.13.
Variant type: single nucleotide variant.
Coding change: c.368A>G on transcript NM_001127222.2 (MANE Select); coding-DNA position 368, A replaced by G.
Protein change: p.Asp123Gly; replaces aspartic acid 123 with glycine.
Molecular consequence: missense variant.
Genome position (GRCh38, 1-based): chr19:13,455,138, T>C on the plus strand (A>G on the coding strand, the complement: CACNA1A is on the minus strand). VCF-style: chr19-13455138-T-C. GRCh37 (hg19) VCF-style: chr19-13565952-T-C.
Other names: c.368A>G, p.Asp123Gly (NM_000068.4, NM_001127221.2, NM_001174080.2 and 1 more transcripts); short protein forms D123G.
Identifiers: ClinVar variation 3368184 (VCV003368184.1).
Genomic context (GRCh38, chr19:13,455,138, plus strand): 5'-AGAAGACCCTGAGAAAAGACATCACTCACCAGCCGTTCAGACATCGGGGTCTTGTCATCA[T>C]CAGGCAGATGCTGCTCCAGTGCGAGGACGATGCAATTCGCTATGATGGTGGCTAAAATCA-3'
Protein context (NP_001120694.1, residues 113-133): IVLALEQHLP[Asp123Gly]DDKTPMSERL

ClinVar aggregate classification (germline): Uncertain significance (1 of 4 stars; one submission).

Submission:

GeneDx
Classification: Uncertain significance. Last evaluated: 2024-02-06. Review status: criteria provided, single submitter. Criteria: GeneDx Variant Classification Process June 2021. Collection method: clinical testing. Allele origin: germline. Affected: yes.
Comment: Not observed at significant frequency in large population cohorts (gnomAD); In silico analysis supports that this missense variant has a deleterious effect on protein structure/function; Has not been previously published as pathogenic or benign to our knowledge